The following is an entry in ClinVar:

ClinVar aggregate classification (germline): Conflicting classifications of pathogenicity. Review status: criteria provided, conflicting classifications (1 of 4 stars). 5 submissions from 5 submitters: Uncertain significance (4); Likely benign (1). Last evaluated 2025-03-01.

Conditions:
3M syndrome 1. Also called: 3-M Syndrome, CUL7-Related. Identifiers: Orphanet 2616, MedGen C2678312, MONDO:0010117, OMIM 273750.

Allele frequency attached by ClinVar (database versions not stated): 1000 Genomes Project 30x 0.00031; 1000 Genomes Project 0.00040; gnomAD exomes 0.00067; ExAC 0.00068; gnomAD 0.00068 and 0.00128; ESP Exome Variant Server 0.00092; TOPMed 0.00135.
gnomAD v4.1: 1,561 of 1,614,214 alleles (0.097%); highest among the groups gnomAD compares: Non-Finnish European, 0.11%; 3 homozygotes.

Submissions (5):

CeGaT Center for Human Genetics Tuebingen
Classification: Likely benign. Last evaluated: 2025-03-01. Review status: criteria provided, single submitter. Criteria: CeGaT Center For Human Genetics Tuebingen Variant Classification Criteria Version 2. Collection method: clinical testing. Allele origin: germline. Affected: yes. Observed: 1 variant allele.
Comment: CUL7: BP4

Blueprint Genetics
Classification: Uncertain significance. Last evaluated: 2024-10-28. Review status: criteria provided, single submitter. Criteria: ACMG Guidelines, 2015. Collection method: clinical testing. Allele origin: germline.

Women's Health and Genetics/Laboratory Corporation of America, LabCorp
Classification: Uncertain significance. Last evaluated: 2024-02-22. Review status: criteria provided, single submitter. Criteria: LabCorp Variant Classification Summary - May 2015. Collection method: clinical testing. Allele origin: germline.
Comment: Variant summary: CUL7 c.1457G>A (p.Cys486Tyr) results in a non-conservative amino acid change in the encoded protein sequence. Four of five in-silico tools predict a benign effect of the variant on protein function. The variant allele was found at a frequency of 0.00097 in 1614214 control chromosomes in the gnomAD database, including 3 homozygotes. This frequency is slightly lower than estimated frequency for a pathogenic variant in CUL7 causing Three M Syndrome 1 (0.00097 vs 0.0011), allowing no conclusion about variant significance. To our knowledge, no occurrence of c.1457G>A in individuals affected with Three M Syndrome 1 and no experimental evidence demonstrating its impact on protein function have been reported. ClinVar contains an entry for this variant (Variation ID: 908583). Based on the evidence outlined above, the variant was classified as uncertain significance.

Labcorp Genetics (formerly Invitae), Labcorp
Classification: Uncertain significance. Last evaluated: 2022-10-17. Review status: criteria provided, single submitter. Criteria: Invitae Variant Classification Sherloc (09022015). Collection method: clinical testing. Allele origin: germline.
Comment: This sequence change replaces cysteine, which is neutral and slightly polar, with tyrosine, which is neutral and polar, at codon 486 of the CUL7 protein (p.Cys486Tyr). This variant is present in population databases (rs151021564, gnomAD 0.1%), and has an allele count higher than expected for a pathogenic variant. This variant has not been reported in the literature in individuals affected with CUL7-related conditions. ClinVar contains an entry for this variant (Variation ID: 908583). Algorithms developed to predict the effect of missense changes on protein structure and function (SIFT, PolyPhen-2, Align-GVGD) all suggest that this variant is likely to be tolerated. In summary, the available evidence is currently insufficient to determine the role of this variant in disease. Therefore, it has been classified as a Variant of Uncertain Significance.

Illumina Laboratory Services, Illumina
Classification: Uncertain significance for 3M syndrome 1. Last evaluated: 2018-01-13. Review status: criteria provided, single submitter. Criteria: ICSL Variant Classification Criteria 13 December 2019. Collection method: clinical testing. Allele origin: germline.

NM_014780.5(CUL7):c.1457G>A (p.Cys486Tyr)

Gene: CUL7 (cullin 7; minus strand). Cytogenetic location: 6p21.1.
Variant type: single nucleotide variant.
Coding change: c.1457G>A on transcript NM_014780.5 (MANE Select); coding-DNA position 1457, G replaced by A.
Protein change: p.Cys486Tyr; replaces cysteine 486 with tyrosine.
Molecular consequence: missense variant.
Genome position (GRCh38, 1-based): chr6:43,050,075, C>T on the plus strand (G>A on the coding strand, the complement: CUL7 is on the minus strand). VCF-style: chr6-43050075-C-T. GRCh37 (hg19) VCF-style: chr6-43017813-C-T.
Other names: c.1553G>A, p.Cys518Tyr (NM_001168370.2, NM_001374872.1); c.1457G>A, p.Cys486Tyr (NM_001374873.1, NM_001374874.1); short protein forms C518Y, C486Y.
Identifiers: ClinVar variation 908583 (VCV000908583.16), dbSNP rs151021564, ClinGen allele CA3814136.